The following is an entry in ClinVar:

NM_001386298.1(CIC):c.446G>T (p.Gly149Val)

Gene: CIC (capicua transcriptional repressor; plus strand). Cytogenetic location: 19q13.2.
Variant type: single nucleotide variant.
Coding change: c.446G>T on transcript NM_001386298.1 (MANE Select); coding-DNA position 446, G replaced by T.
Protein change: p.Gly149Val; replaces glycine 149 with valine.
Molecular consequence: missense variant.
Genome position (GRCh38, 1-based): chr19:42,272,229, G>T. VCF-style: chr19-42272229-G-T. GRCh37 (hg19) VCF-style: chr19-42776381-G-T.
Other names: c.446G>T, p.Gly149Val (NM_001304815.2, NM_001379480.1, NM_001379482.1); short protein forms G149V.
Identifiers: ClinVar variation 3392540 (VCV003392540.1).
Genomic context (GRCh38, chr19:42,272,229, plus strand): 5'-GCAGCAGTGGGGTGGCTGGGGCCCCTGAAGAGCGGGTGCGGACCCCTGAGGAGGCCAGTG[G>T]CCTGGGGGTGCCTCCACGGCCACCCACCTCCACTCGTTCCTCCTCCACTGACACAGCCAG-3'
Protein context (NP_001373227.1, residues 139-159): ERVRTPEEAS[Gly149Val]LGVPPRPPTS

ClinVar aggregate classification (germline): Uncertain significance (1 of 4 stars; one submission).

Conditions:
Intellectual developmental disorder, autosomal dominant 45. Also called: MENTAL RETARDATION, AUTOSOMAL DOMINANT 45; Intellectual disability, autosomal dominant 45. Identifiers: MedGen C4539848, MONDO:0030910, OMIM 617600.

gnomAD v4.1: 16 of 398,498 alleles (0.004%); highest among the groups gnomAD compares: Non-Finnish European, 0.0071%; no homozygotes.

Submission:

MVZ Medizinische Genetik Mainz
Classification: Uncertain significance for Intellectual developmental disorder, autosomal dominant 45. Last evaluated: 2024-11-21. Review status: criteria provided, single submitter. Criteria: UK Practice Guidelines For Variant Classification V4 01 2020. Collection method: clinical testing. Allele origin: germline. Inheritance: Autosomal dominant inheritance. Affected: yes. Observed: 1 variant allele.
Comment: ACMG Criteria: PM2_SUP